The following is an entry in ClinVar:

NM_000038.6(APC):c.2669T>A (p.Val890Asp)

Gene: APC (APC regulator of Wnt signaling pathway; plus strand). Cytogenetic location: 5q22.2.
Variant type: single nucleotide variant.
Coding change: c.2669T>A on transcript NM_000038.6 (MANE Select); coding-DNA position 2669, T replaced by A.
Protein change: p.Val890Asp; replaces valine 890 with aspartic acid.
Molecular consequence: missense variant.
Genome position (GRCh38, 1-based): chr5:112,838,263, T>A. VCF-style: chr5-112838263-T-A. GRCh37 (hg19) VCF-style: chr5-112173960-T-A.
Other names: c.2669T>A, p.Val890Asp (NM_001127510.3, NM_001354895.2); c.2615T>A, p.Val872Asp (NM_001127511.3); c.2723T>A, p.Val908Asp (NM_001354896.2); c.2699T>A, p.Val900Asp (NM_001354897.2); c.2594T>A, p.Val865Asp (NM_001354898.2); c.2585T>A, p.Val862Asp (NM_001354899.2); c.2546T>A, p.Val849Asp (NM_001354900.2); c.2492T>A, p.Val831Asp (NM_001354901.2); and 5 more; short protein forms V730D, V764D, V831D, V865D, V908D, V607D, V799D, V862D.
Identifiers: ClinVar variation 862544 (VCV000862544.13), dbSNP rs878853429, ClinGen allele CA16027158.
Genomic context (GRCh38, chr5:112,838,263, plus strand): 5'-CAGGAACTTCTTCAAAGCGAGGTTTGCAGATCTCCACCACTGCAGCCCAGATTGCCAAAG[T>A]CATGGAAGAAGTGTCAGCCATTCATACCTCTCAGGAAGACAGAAGTTCTGGGTCTACCAC-3'
Protein context (NP_000029.2, residues 880-900): ISTTAAQIAK[Val890Asp]MEEVSAIHTS

ClinVar aggregate classification (germline): Uncertain significance. Review status: criteria provided, multiple submitters, no conflicts (2 of 4 stars). 2 submissions from 2 submitters: Uncertain significance (2). Last evaluated 2022-07-13.

Conditions:
Hereditary cancer-predisposing syndrome. Also called: Tumor predisposition; Hereditary neoplastic syndrome; Neoplastic Syndromes, Hereditary; Hereditary Cancer Syndrome. Identifiers: Orphanet 140162, MedGen C0027672, MeSH D009386, MONDO:0015356.
Familial adenomatous polyposis 1 (FAP1). Also called: POLYPOSIS, ADENOMATOUS INTESTINAL; FAMILIAL ADENOMATOUS POLYPOSIS 1, ATTENUATED. Identifiers: MedGen C2713442, MONDO:0021056, OMIM 175100. Disease mechanism: loss of function.

Submissions (2):

Ambry Genetics
Classification: Uncertain significance for Hereditary cancer-predisposing syndrome. Last evaluated: 2022-07-13. Review status: criteria provided, single submitter. Criteria: Ambry Variant Classification Scheme 2023. Collection method: clinical testing. Allele origin: germline.
Comment: The p.V890D variant (also known as c.2669T>A), located in coding exon 15 of the APC gene, results from a T to A substitution at nucleotide position 2669. The valine at codon 890 is replaced by aspartic acid, an amino acid with highly dissimilar properties. This amino acid position is conserved. In addition, in silico predictors for this gene do not accurately predict pathogenicity. Since supporting evidence is limited at this time, the clinical significance of this alteration remains unclear.

Labcorp Genetics (formerly Invitae), Labcorp
Classification: Uncertain significance for Familial adenomatous polyposis 1. Last evaluated: 2019-06-21. Review status: criteria provided, single submitter. Criteria: Invitae Variant Classification Sherloc (09022015). Collection method: clinical testing. Allele origin: germline.
Comment: This sequence change replaces valine with aspartic acid at codon 890 of the APC protein (p.Val890Asp). The valine residue is highly conserved and there is a large physicochemical difference between valine and aspartic acid. This variant is not present in population databases (ExAC no frequency). This variant has not been reported in the literature in individuals with APC-related conditions. Algorithms developed to predict the effect of missense changes on protein structure and function are either unavailable or do not agree on the potential impact of this missense change (SIFT: "Deleterious"; PolyPhen-2: "Possibly Damaging"; Align-GVGD: "Class C15"). In summary, the available evidence is currently insufficient to determine the role of this variant in disease. Therefore, it has been classified as a Variant of Uncertain Significance.